The following is an entry in ClinVar:

NM_181882.3(PRX):c.3626G>C (p.Gly1209Ala)

Gene: PRX (periaxin; minus strand). Cytogenetic location: 19q13.2.
Variant type: single nucleotide variant.
Coding change: c.3626G>C on transcript NM_181882.3 (MANE Select); coding-DNA position 3626, G replaced by C.
Protein change: p.Gly1209Ala; replaces glycine 1209 with alanine.
Molecular consequence: missense variant. On other transcripts: 3 prime UTR variant (1).
Genome position (GRCh38, 1-based): chr19:40,394,726, C>G on the plus strand (G>C on the coding strand, the complement: PRX is on the minus strand). VCF-style: chr19-40394726-C-G. GRCh37 (hg19) VCF-style: chr19-40900633-C-G.
Other names: c.3911G>C, p.Gly1304Ala (NM_001411127.1); c.*3831G>C (NM_020956.2); short protein forms G1304A, G1209A.
Identifiers: ClinVar variation 1962257 (VCV001962257.5), dbSNP rs1229860562, ClinGen allele CA405892948.

ClinVar aggregate classification (germline): Uncertain significance (1 of 4 stars; one submission).

Conditions:
Charcot-Marie-Tooth disease type 4. Also called: Charcot-Marie-Tooth disease, type IV; Charcot-Marie-Tooth, Type 4. Identifiers: Orphanet 64749, MedGen C4082197, MONDO:0018995.

Allele frequency attached by ClinVar (database versions not stated): gnomAD exomes below 0.00001.
gnomAD v4.1: 2 of 1,612,962 alleles (0.00012%); highest among the groups gnomAD compares: Non-Finnish European, 0.000085%; no homozygotes.

Submission:

Labcorp Genetics (formerly Invitae), Labcorp
Classification: Uncertain significance for Charcot-Marie-Tooth disease type 4. Last evaluated: 2022-11-01. Review status: criteria provided, single submitter. Criteria: Invitae Variant Classification Sherloc (09022015). Collection method: clinical testing. Allele origin: germline.
Comment: In summary, the available evidence is currently insufficient to determine the role of this variant in disease. Therefore, it has been classified as a Variant of Uncertain Significance. Advanced modeling of protein sequence and biophysical properties (such as structural, functional, and spatial information, amino acid conservation, physicochemical variation, residue mobility, and thermodynamic stability) has been performed at Invitae for this missense variant, however the output from this modeling did not meet the statistical confidence thresholds required to predict the impact of this variant on PRX protein function. This variant has not been reported in the literature in individuals affected with PRX-related conditions. This variant is not present in population databases (gnomAD no frequency). This sequence change replaces glycine, which is neutral and non-polar, with alanine, which is neutral and non-polar, at codon 1209 of the PRX protein (p.Gly1209Ala).